The following is an entry in ClinVar:

ClinVar aggregate classification (germline): Uncertain significance (1 of 4 stars; one submission).

Conditions:
Intellectual developmental disorder with autistic features and language delay, with or without seizures. Identifiers: MedGen C5394447, MONDO:0030051, OMIM 618906.

Allele frequency attached by ClinVar (database versions not stated): TOPMed below 0.00001.

Submission:

Victorian Clinical Genetics Services, Murdoch Childrens Research Institute
Classification: Uncertain significance for Intellectual developmental disorder with autistic features and language delay, with or without seizures. Last evaluated: 2024-10-10. Review status: criteria provided, single submitter. Criteria: ACMG Guidelines, 2015. Collection method: clinical testing. Allele origin: germline. Inheritance: Autosomal dominant inheritance. Affected: yes.
Comment: Based on the classification scheme VCGS_Germline_v1.3.4, this variant is classified as VUS-3C. Following criteria are met: 0102 - Loss of function is a known mechanism of disease in this gene and is associated with intellectual developmental disorder with autistic features and language delay, with or without seizures (MIM#618906). (I) 0107 - This gene is associated with autosomal dominant disease. (I) 0200 - Variant is predicted to result in a missense amino acid change from tyrosine to cysteine. (I) 0251 - This variant is heterozygous. (I) 0301 - Variant is absent from gnomAD (both v2 and v3). (SP) 0309 - An alternative amino acid change at the same position has been observed in gnomAD (v2) (1 heterozygote, 0 homozygotes). (I) 0502 - Missense variant with tolerated in silico predictions and high conservation. (I) 0604 - Variant is not located in an established domain, motif, hotspot or informative constraint region. (I) 0705 - No comparable missense variants have previous evidence for pathogenicity. (I) 0807 - This variant has no previous evidence of pathogenicity. (I) 0904 - Non-segregation of this variant with the phenotype under investigation has been clearly demonstrated. (SB) 1007 - No published functional evidence has been identified for this variant. (I) Legend: (SP) - Supporting pathogenic, (I) - Information, (SB) - Supporting benign

NM_001394998.1(TANC2):c.713A>G (p.Tyr238Cys)

Gene: TANC2 (tetratricopeptide repeat, ankyrin repeat and coiled-coil containing 2; plus strand). Cytogenetic location: 17q23.3.
Variant type: single nucleotide variant.
Coding change: c.713A>G on transcript NM_001394998.1 (MANE Select); coding-DNA position 713, A replaced by G.
Protein change: p.Tyr238Cys; replaces tyrosine 238 with cysteine.
Molecular consequence: missense variant.
Genome position (GRCh38, 1-based): chr17:63,200,901, A>G. VCF-style: chr17-63200901-A-G. GRCh37 (hg19) VCF-style: chr17-61278262-A-G.
Other names: c.491A>G, p.Tyr164Cys (NM_001411076.1, NM_025185.4); short protein forms Y164C, Y238C.
Identifiers: ClinVar variation 3255072 (VCV003255072.2), dbSNP rs2041511072.